The following is an entry in ClinVar:

NM_000384.3(APOB):c.11063T>C (p.Leu3688Pro)

Gene: APOB (apolipoprotein B; minus strand). Cytogenetic location: 2p24.1.
Variant type: single nucleotide variant.
Coding change: c.11063T>C on transcript NM_000384.3 (MANE Select); coding-DNA position 11063, T replaced by C.
Protein change: p.Leu3688Pro; replaces leucine 3688 with proline.
Molecular consequence: missense variant.
Genome position (GRCh38, 1-based): chr2:21,005,805, A>G on the plus strand (T>C on the coding strand, the complement: APOB is on the minus strand). VCF-style: chr2-21005805-A-G. GRCh37 (hg19) VCF-style: chr2-21228677-A-G.
Other names: short protein forms L3688P.
Identifiers: ClinVar variation 4613707 (VCV004613707.2).

ClinVar aggregate classification (germline): Uncertain significance. Review status: criteria provided, multiple submitters, no conflicts (2 of 4 stars). 2 submissions from 2 submitters: Uncertain significance (2). Last evaluated 2026-03-29.

Conditions:
Cardiovascular phenotype. Identifiers: MedGen CN230736.

gnomAD v4.1: 3 of 1,613,944 alleles (0.00019%); highest among the groups gnomAD compares: Non-Finnish European, 0.00025%; no homozygotes.

Submissions (2):

GeneDx
Classification: Uncertain significance. Last evaluated: 2026-03-29. Review status: criteria provided, single submitter. Criteria: GeneDx Variant Classification Process June 2021. Collection method: clinical testing. Allele origin: germline.
Comment: In silico analysis supports that this missense variant has a deleterious effect on protein structure/function; Has not been previously published as pathogenic or benign to our knowledge

Ambry Genetics
Classification: Uncertain significance for Cardiovascular phenotype. Last evaluated: 2025-09-26. Review status: criteria provided, single submitter. Criteria: Ambry Variant Classification Scheme 2023. Collection method: clinical testing. Allele origin: germline.